The following is an entry in ClinVar:

NM_001080467.3(MYO5B):c.2938A>T (p.Arg980Trp)

Gene: MYO5B (myosin VB; minus strand). Cytogenetic location: 18q21.1.
Variant type: single nucleotide variant.
Coding change: c.2938A>T on transcript NM_001080467.3 (MANE Select); coding-DNA position 2938, A replaced by T.
Protein change: p.Arg980Trp; replaces arginine 980 with tryptophan.
Molecular consequence: missense variant.
Genome position (GRCh38, 1-based): chr18:49,895,048, T>A on the plus strand (A>T on the coding strand, the complement: MYO5B is on the minus strand). VCF-style: chr18-49895048-T-A. GRCh37 (hg19) VCF-style: chr18-47421418-T-A.
Other names: short protein forms R980W.
Identifiers: ClinVar variation 1403021 (VCV001403021.5), dbSNP rs763514366, ClinGen allele CA8960892.

ClinVar aggregate classification (germline): Uncertain significance (1 of 4 stars; one submission).

Allele frequency attached by ClinVar (database versions not stated): TOPMed below 0.00001; gnomAD 0.00001; gnomAD exomes 0.00001 and 0.00003; ExAC 0.00002.
gnomAD v4.1: 10 of 1,613,996 alleles (0.00062%); highest among the groups gnomAD compares: Admixed American, 0.015%; no homozygotes.

Submission:

Labcorp Genetics (formerly Invitae), Labcorp
Classification: Uncertain significance. Last evaluated: 2022-07-06. Review status: criteria provided, single submitter. Criteria: Invitae Variant Classification Sherloc (09022015). Collection method: clinical testing. Allele origin: germline.
Comment: This variant is present in population databases (rs763514366, gnomAD 0.02%). In summary, the available evidence is currently insufficient to determine the role of this variant in disease. Therefore, it has been classified as a Variant of Uncertain Significance. Algorithms developed to predict the effect of missense changes on protein structure and function are either unavailable or do not agree on the potential impact of this missense change (SIFT: "Deleterious"; PolyPhen-2: "Benign"; Align-GVGD: "Class C0"). ClinVar contains an entry for this variant (Variation ID: 1403021). This variant has not been reported in the literature in individuals affected with MYO5B-related conditions. This sequence change replaces arginine, which is basic and polar, with tryptophan, which is neutral and slightly polar, at codon 980 of the MYO5B protein (p.Arg980Trp).